The following is an entry in ClinVar:

NM_025074.7(FRAS1):c.981+9C>T

Gene: FRAS1 (Fraser extracellular matrix complex subunit 1; plus strand). Cytogenetic location: 4q21.21.
Variant type: single nucleotide variant.
Coding change: c.981+9C>T on transcript NM_025074.7 (MANE Select); 9 bases into the intron after coding-DNA position 981, C replaced by T.
Molecular consequence: intron variant.
Genome position (GRCh38, 1-based): chr4:78,267,441, C>T. VCF-style: chr4-78267441-C-T. GRCh37 (hg19) VCF-style: chr4-79188595-C-T.
Other names: p.?; c.981+9C>T (NM_001166133.2).
Identifiers: ClinVar variation 349674 (VCV000349674.15), dbSNP rs112081709, ClinGen allele CA2976127.
Genomic context (GRCh38, chr4:78,267,441, plus strand): 5'-TGGCCAAGTGACCTGCCAGACTGGAGAGTGTGCCAAAGTGGAGTGTGCCCGGGTAAGAAG[C>T]AGGGGCATTTCCATTTGGAACGTTGCAGCTCTTTCCAACGGGATAGTGAGGGGTCCTGCC-3'

ClinVar aggregate classification (germline): Benign. Review status: criteria provided, multiple submitters, no conflicts (2 of 4 stars). 4 submissions from 4 submitters: Benign (4). Last evaluated 2026-02-04.

Conditions:
Fraser syndrome 1 (FRASRS1). Also called: CRYPTOPHTHALMOS WITH OTHER MALFORMATIONS. Identifiers: Orphanet 2052, MedGen C4551480, MONDO:0054737, OMIM 219000.

Allele frequency attached by ClinVar (database versions not stated): 1000 Genomes Project 30x 0.00859; 1000 Genomes Project 0.00919; TOPMed 0.01532; gnomAD 0.01777 and 0.01835; gnomAD exomes 0.01863 and 0.02513; ESP Exome Variant Server 0.01884; ExAC 0.02221.
gnomAD v4.1: 38,989 of 1,611,392 alleles (2.4%); highest among the groups gnomAD compares: Non-Finnish European, 2.9%; 596 homozygotes.

Submissions (14):

Labcorp Genetics (formerly Invitae), Labcorp
Classification: Benign. Last evaluated: 2026-02-04. Review status: criteria provided, single submitter. Criteria: Invitae Variant Classification Sherloc (09022015). Collection method: clinical testing. Allele origin: germline.

Mayo Clinic Laboratories, Mayo Clinic
Classification: Benign. Last evaluated: 2024-08-14. Review status: criteria provided, single submitter. Criteria: ACMG Guidelines, 2015. Collection method: clinical testing. Allele origin: germline. Observed: 2 variant alleles.
Comment: BS1, BS2, BP4, BP7

Illumina Laboratory Services, Illumina
Classification: Benign for Fraser syndrome 1. Last evaluated: 2018-01-12. Review status: criteria provided, single submitter. Criteria: ICSL Variant Classification Criteria 13 December 2019. Collection method: clinical testing. Allele origin: germline.
Comment: This variant was observed in the ICSL laboratory as part of a predisposition screen in an ostensibly healthy population. It had not been previously curated by ICSL or reported in the Human Gene Mutation Database (HGMD: prior to June 1st, 2018), and was therefore a candidate for classification through an automated scoring system. Utilizing variant allele frequency, disease prevalence and penetrance estimates, and inheritance mode, an automated score was calculated to assess if this variant is too frequent to cause the disease. Based on the score and internal cut-off values, a variant classified as benign is not then subjected to further curation. The score for this variant resulted in a classification of benign for this disease.

Breakthrough Genomics
Classification: Benign. Review status: criteria provided, single submitter. Criteria: ACMG Guidelines, 2015. Collection method: not provided. Allele origin: germline. Inheritance: Autosomal recessive inheritance. Affected: yes.

Dr. Peter K. Rogan Lab, Western University
No classification provided (evidence only). Condition: Lung cancer. Review status: no classification provided. Collection method: in vitro. Allele origin: not applicable. Functional consequence: retained intron. Not counted in ClinVar's aggregate classification.

Dr. Peter K. Rogan Lab, Western University
No classification provided (evidence only). Condition: Uterine corpus endometrial carcinoma. Review status: no classification provided. Collection method: in vitro. Allele origin: not applicable. Functional consequence: retained intron. Not counted in ClinVar's aggregate classification.

Dr. Peter K. Rogan Lab, Western University
No classification provided (evidence only). Condition: Uterine corpus endometrial carcinoma. Review status: no classification provided. Collection method: in vitro. Allele origin: not applicable. Functional consequence: retained intron. Not counted in ClinVar's aggregate classification.

Dr. Peter K. Rogan Lab, Western University
No classification provided (evidence only). Condition: Cervical cancer. Review status: no classification provided. Collection method: in vitro. Allele origin: not applicable. Functional consequence: retained intron. Not counted in ClinVar's aggregate classification.

Dr. Peter K. Rogan Lab, Western University
No classification provided (evidence only). Condition: Cervical cancer. Review status: no classification provided. Collection method: in vitro. Allele origin: not applicable. Functional consequence: retained intron. Not counted in ClinVar's aggregate classification.

Dr. Peter K. Rogan Lab, Western University
No classification provided (evidence only). Condition: Sarcoma. Review status: no classification provided. Collection method: in vitro. Allele origin: not applicable. Functional consequence: retained intron. Not counted in ClinVar's aggregate classification.

Dr. Peter K. Rogan Lab, Western University
No classification provided (evidence only). Condition: Ovarian serous cystadenocarcinoma. Review status: no classification provided. Collection method: in vitro. Allele origin: not applicable. Functional consequence: retained intron. Not counted in ClinVar's aggregate classification.

Dr. Peter K. Rogan Lab, Western University
No classification provided (evidence only). Condition: Gastric cancer. Review status: no classification provided. Collection method: in vitro. Allele origin: not applicable. Functional consequence: retained intron. Not counted in ClinVar's aggregate classification.

Dr. Peter K. Rogan Lab, Western University
No classification provided (evidence only). Condition: Uterine carcinosarcoma. Review status: no classification provided. Collection method: in vitro. Allele origin: not applicable. Functional consequence: retained intron. Not counted in ClinVar's aggregate classification.

Dr. Peter K. Rogan Lab, Western University
No classification provided (evidence only). Condition: Malignant tumor of esophagus. Review status: no classification provided. Collection method: in vitro. Allele origin: not applicable. Functional consequence: retained intron. Not counted in ClinVar's aggregate classification.